The following is an entry in ClinVar:

NM_001382391.1(CSPP1):c.2788C>G (p.Arg930Gly)

Gene: CSPP1 (centrosome and spindle pole associated protein 1; plus strand). Cytogenetic location: 8q13.2.
Variant type: single nucleotide variant.
Coding change: c.2788C>G on transcript NM_001382391.1 (MANE Select); coding-DNA position 2788, C replaced by G.
Protein change: p.Arg930Gly; replaces arginine 930 with glycine.
Molecular consequence: missense variant.
Genome position (GRCh38, 1-based): chr8:67,164,468, C>G. VCF-style: chr8-67164468-C-G. GRCh37 (hg19) VCF-style: chr8-68076703-C-G.
Other names: c.2773C>G, p.Arg925Gly (NM_024790.7); c.1738C>G, p.Arg580Gly (NM_001291339.2); c.2707C>G, p.Arg903Gly (NM_001363131.2); c.2593C>G, p.Arg865Gly (NM_001363132.2); c.2512C>G, p.Arg838Gly (NM_001363133.2); c.2854C>G, p.Arg952Gly (NM_001364869.1); c.2674C>G, p.Arg892Gly (NM_001364870.1); short protein forms R892G, R838G, R865G, R930G, R580G, R952G, R903G, R925G.
Identifiers: ClinVar variation 2185558 (VCV002185558.4), dbSNP rs537456518, ClinGen allele CA4770945.

ClinVar aggregate classification (germline): Uncertain significance (1 of 4 stars; one submission).

Conditions:
Joubert syndrome 21 (JBTS21). Identifiers: MedGen C3810212, MONDO:0014288, OMIM 615636.

Allele frequency attached by ClinVar (database versions not stated): ExAC 0.00001; TOPMed 0.00001.

Submission:

Labcorp Genetics (formerly Invitae), Labcorp
Classification: Uncertain significance for Joubert syndrome 21. Last evaluated: 2024-10-26. Review status: criteria provided, single submitter. Criteria: Invitae Variant Classification Sherloc (09022015). Collection method: clinical testing. Allele origin: germline.
Comment: This sequence change replaces arginine, which is basic and polar, with glycine, which is neutral and non-polar, at codon 925 of the CSPP1 protein (p.Arg925Gly). This variant is present in population databases (rs537456518, gnomAD 0.003%). This variant has not been reported in the literature in individuals affected with CSPP1-related conditions. ClinVar contains an entry for this variant (Variation ID: 2185558). An algorithm developed to predict the effect of missense changes on protein structure and function (PolyPhen-2) suggests that this variant is likely to be disruptive. In summary, the available evidence is currently insufficient to determine the role of this variant in disease. Therefore, it has been classified as a Variant of Uncertain Significance.